The following is an entry in ClinVar:

ClinVar aggregate classification (germline): Uncertain significance. Review status: criteria provided, single submitter (1 of 4 stars). 2 submissions from 2 submitters: Uncertain significance (1). 1 of the submissions does not count toward it. Last evaluated 2021-11-22.

Conditions:
Nemaline myopathy 2 (NEM2). Also called: Nemaline myopathy 2, autosomal recessive. Identifiers: MedGen C1850569, MONDO:0009725, OMIM 256030.

Submissions (2):

Labcorp Genetics (formerly Invitae), Labcorp
Classification: Uncertain significance for Nemaline myopathy 2. Last evaluated: 2021-11-22. Review status: criteria provided, single submitter. Criteria: Invitae Variant Classification Sherloc (09022015). Collection method: clinical testing. Allele origin: germline.
Comment: This sequence change replaces asparagine, which is neutral and polar, with serine, which is neutral and polar, at codon 588 of the NEB protein (p.Asn588Ser). This variant is not present in population databases (gnomAD no frequency). This variant has not been reported in the literature in individuals affected with NEB-related conditions. ClinVar contains an entry for this variant (Variation ID: 990577). Algorithms developed to predict the effect of missense changes on protein structure and function are either unavailable or do not agree on the potential impact of this missense change (SIFT: "Deleterious"; PolyPhen-2: "Not Available"; Align-GVGD: "Class C0"). In summary, the available evidence is currently insufficient to determine the role of this variant in disease. Therefore, it has been classified as a Variant of Uncertain Significance.

Natera, Inc.
Classification: Uncertain significance for Nemaline myopathy type 2. Last evaluated: 2020-08-13. Review status: no assertion criteria provided. Collection method: clinical testing. Allele origin: germline. Not counted in ClinVar's aggregate classification.

NM_001164508.2(NEB):c.1763A>G (p.Asn588Ser)

Gene: NEB (nebulin; minus strand). Cytogenetic location: 2q23.3.
Variant type: single nucleotide variant.
Coding change: c.1763A>G on transcript NM_001164508.2 (MANE Select); coding-DNA position 1763, A replaced by G.
Protein change: p.Asn588Ser; replaces asparagine 588 with serine.
Molecular consequence: missense variant.
Genome position (GRCh38, 1-based): chr2:151,694,541, T>C on the plus strand (A>G on the coding strand, the complement: NEB is on the minus strand). VCF-style: chr2-151694541-T-C. GRCh37 (hg19) VCF-style: chr2-152551055-T-C.
Other names: c.1763A>G, p.Asn588Ser (NM_001271208.2, NM_001164507.2, NM_004543.5); short protein forms N588S.
Identifiers: ClinVar variation 990577 (VCV000990577.4), dbSNP rs2099581808, ClinGen allele CA348824593.